The following is an entry in ClinVar:

ClinVar aggregate classification (germline): Likely benign. Review status: criteria provided, single submitter (1 of 4 stars). 2 submissions from 2 submitters: Likely benign (1). 1 of the submissions does not count toward it. Last evaluated 2019-10-09.

Conditions:
SOX10-related disorder. Also called: SOX10-related condition.

Allele frequency attached by ClinVar (database versions not stated): ExAC 0.00003; gnomAD 0.00001.
gnomAD v4.1: 37 of 1,346,298 alleles (0.0027%); highest among the groups gnomAD compares: Non-Finnish European, 0.0036%; no homozygotes.

Submissions (2):

Blueprint Genetics
Classification: Likely benign. Last evaluated: 2019-10-09. Review status: criteria provided, single submitter. Criteria: ACMG Guidelines, 2015. Collection method: clinical testing. Allele origin: germline.

PreventionGenetics, part of Exact Sciences
Classification: Likely benign for SOX10-related condition. Last evaluated: 2023-07-10. Review status: no assertion criteria provided. Collection method: clinical testing. Allele origin: germline. Not counted in ClinVar's aggregate classification.
Comment: This variant is classified as likely benign based on ACMG/AMP sequence variant interpretation guidelines (Richards et al. 2015 PMID: 25741868, with internal and published modifications).

NM_006941.4(SOX10):c.735G>A (p.Pro245=)

Genes: POLR2F (RNA polymerase II, I and III subunit F; plus strand), SOX10 (SRY-box transcription factor 10; minus strand). Cytogenetic location: 22q13.1.
Variant type: single nucleotide variant.
Coding change: c.735G>A on transcript NM_006941.4 (MANE Select); coding-DNA position 735, G replaced by A.
Protein change: p.Pro245=; no amino-acid change (proline 245 retained).
Molecular consequence: synonymous variant. On other transcripts: intron variant (3).
Genome position (GRCh38, 1-based): chr22:37,974,161, C>T on the plus strand (G>A on the coding strand, the complement: SOX10 is on the minus strand). VCF-style: chr22-37974161-C-T. GRCh37 (hg19) VCF-style: chr22-38370168-C-T.
Other names: c.*38+1851C>T (NM_001363825.1); c.293+6991C>T (NM_001301130.2, NM_001301131.2).
Identifiers: ClinVar variation 3032652 (VCV003032652.3), dbSNP rs762449567, ClinGen allele CA10228598.